The following is an entry in ClinVar:

ClinVar aggregate classification (germline): Benign/Likely benign. Review status: criteria provided, multiple submitters, no conflicts (2 of 4 stars). 3 submissions from 3 submitters: Benign (1); Likely benign (2). Last evaluated 2026-08-11.

Conditions:
TTN-related disorder. Also called: TTN-related condition; TTN-related disease; TTN-related disorders.

gnomAD v4.1: 8 of 1,601,858 alleles (0.0005%); highest among the groups gnomAD compares: African/African-American, 0.0056%; no homozygotes.

Submissions (3):

PreventionGenetics, part of Exact Sciences
Classification: Likely benign for TTN-related condition. Last evaluated: 2026-08-11. Review status: criteria provided, single submitter. Criteria: ACMG Guidelines, 2015. Collection method: clinical testing. Allele origin: germline.
Comment: This variant is classified as likely benign based on ACMG/AMP sequence variant interpretation guidelines (Richards et al. 2015 PMID: 25741868, with internal and published modifications).

CeGaT Center for Human Genetics Tuebingen
Classification: Likely benign. Last evaluated: 2026-03-01. Review status: criteria provided, single submitter. Criteria: CeGaT Center For Human Genetics Tuebingen Variant Classification Criteria Version 2. Collection method: clinical testing. Allele origin: germline. Affected: yes. Observed: 2 variant alleles.
Comment: TTN: BP4, BP7

GeneDx
Classification: Benign. Last evaluated: 2014-06-26. Review status: criteria provided, single submitter. Criteria: GeneDx Variant Classification (06012015). Collection method: clinical testing. Allele origin: germline. Affected: yes.
Comment: This variant is considered likely benign or benign based on one or more of the following criteria: it is a conservative change, it occurs at a poorly conserved position in the protein, it is predicted to be benign by multiple in silico algorithms, and/or has population frequency not consistent with disease.

NM_133379.5(TTN):c.15195T>C (p.Pro5065=)

Gene: TTN (titin; minus strand). Cytogenetic location: 2q31.2.
Variant type: single nucleotide variant.
Coding change: c.15195T>C on transcript NM_133379.5; coding-DNA position 15195, T replaced by C.
Protein change: p.Pro5065=; no amino-acid change (proline 5065 retained).
Molecular consequence: synonymous variant. On other transcripts: intron variant (6).
Genome position (GRCh38, 1-based): chr2:178,747,205, A>G on the plus strand (T>C on the coding strand, the complement: TTN is on the minus strand). VCF-style: chr2-178747205-A-G. GRCh37 (hg19) VCF-style: chr2-179611932-A-G.
Other names: p.P5065P:CCT>CCC; c.10223-5284T>C (NM_003319.4); c.10799-5284T>C (NM_133437.4); c.10598-5284T>C (NM_133432.3); c.10360+5919T>C (NM_133378.4); c.10361-5284T>C (NM_001256850.1); c.11312-5284T>C (NM_001267550.2); c.15195T>C (NM_133379.4).
Identifiers: ClinVar variation 202293 (VCV000202293.8), dbSNP rs138832697, ClinGen allele CA308993.